The following is an entry in ClinVar:

ClinVar aggregate classification (germline): Uncertain significance. Review status: criteria provided, multiple submitters, no conflicts (2 of 4 stars). 2 submissions from 2 submitters: Uncertain significance (2). Last evaluated 2025-04-09.

Allele frequency attached by ClinVar (database versions not stated): gnomAD exomes 0.00001; ExAC 0.00002; TOPMed 0.00002; gnomAD 0.00003; ESP Exome Variant Server 0.00008.
gnomAD v4.1: 14 of 1,613,996 alleles (0.00087%); highest among the groups gnomAD compares: African/African-American, 0.0053%; no homozygotes.

Submissions (2):

Ambry Genetics
Classification: Uncertain significance. Last evaluated: 2025-04-09. Review status: criteria provided, single submitter. Criteria: Ambry Variant Classification Scheme 2023. Collection method: clinical testing. Allele origin: germline.

Labcorp Genetics (formerly Invitae), Labcorp
Classification: Uncertain significance. Last evaluated: 2022-08-17. Review status: criteria provided, single submitter. Criteria: Invitae Variant Classification Sherloc (09022015). Collection method: clinical testing. Allele origin: germline.
Comment: This sequence change replaces arginine, which is basic and polar, with glutamine, which is neutral and polar, at codon 2529 of the IGSF10 protein (p.Arg2529Gln). This variant is present in population databases (rs146905174, gnomAD 0.004%). This variant has not been reported in the literature in individuals affected with IGSF10-related conditions. Algorithms developed to predict the effect of missense changes on protein structure and function are either unavailable or do not agree on the potential impact of this missense change (SIFT: "Deleterious"; PolyPhen-2: "Possibly Damaging"; Align-GVGD: "Class C0"). In summary, the available evidence is currently insufficient to determine the role of this variant in disease. Therefore, it has been classified as a Variant of Uncertain Significance.

NM_178822.5(IGSF10):c.7586G>A (p.Arg2529Gln)

Gene: IGSF10 (immunoglobulin superfamily member 10; minus strand). Cytogenetic location: 3q25.1.
Variant type: single nucleotide variant.
Coding change: c.7586G>A on transcript NM_178822.5 (MANE Select); coding-DNA position 7586, G replaced by A.
Protein change: p.Arg2529Gln; replaces arginine 2529 with glutamine.
Molecular consequence: missense variant.
Genome position (GRCh38, 1-based): chr3:151,436,975, C>T on the plus strand (G>A on the coding strand, the complement: IGSF10 is on the minus strand). VCF-style: chr3-151436975-C-T. GRCh37 (hg19) VCF-style: chr3-151154763-C-T.
Other names: c.7586G>A (NM_178822.4); c.1523G>A, p.Arg508Gln (NM_001178145.3, NM_001178146.3); c.7586G>A, p.Arg2529Gln (NM_001385060.1, NM_001385061.1, NM_001385062.1 and 1 more transcripts); short protein forms R2529Q, R508Q.
Identifiers: ClinVar variation 1909888 (VCV001909888.6), dbSNP rs146905174, ClinGen allele CA2669224.
Genomic context (GRCh38, chr3:151,436,975, plus strand): 5'-TGGAGCTGAAAGGCTGCCCCTGTCCTGGTGACAATACTCCTGGGTGGACGATTTGTAATT[C>T]GGGGAGGGTAGGCTACAATCATTACTGGAACAGTAATCAGTGTATGACCAACACTATTTT-3'
Protein context (NP_849144.2, residues 2519-2539): VPVMIVAYPP[Arg2529Gln]ITNRPPRSIV